The following is an entry in ClinVar:

NM_181078.3(IL21R):c.1545C>G (p.Pro515=)

Genes: IL21R-AS1 (IL21R antisense RNA 1; minus strand), IL21R (interleukin 21 receptor; plus strand), LOC130058713 (ATAC-STARR-seq lymphoblastoid active region 10627; plus strand). Cytogenetic location: 16p12.1.
Variant type: single nucleotide variant.
Coding change: c.1545C>G on transcript NM_181078.3 (MANE Select); coding-DNA position 1545, C replaced by G.
Protein change: p.Pro515=; no amino-acid change (proline 515 retained).
Molecular consequence: synonymous variant. On other transcripts: non-coding transcript variant (1).
Genome position (GRCh38, 1-based): chr16:27,449,211, C>G. VCF-style: chr16-27449211-C-G. GRCh37 (hg19) VCF-style: chr16-27460532-C-G.
Other names: c.1545C>G, p.Pro515= (NM_021798.4); c.1611C>G, p.Pro537= (NM_181079.5).
Identifiers: ClinVar variation 540997 (VCV000540997.24), dbSNP rs74016079, ClinGen allele CA7975224.

ClinVar aggregate classification (germline): Benign/Likely benign. Review status: criteria provided, multiple submitters, no conflicts (2 of 4 stars). 5 submissions from 5 submitters: Benign (1); Likely benign (3). 1 of the submissions does not count toward it. Last evaluated 2026-04-06.

Conditions:
IL21R-related disorder. Also called: IL21R-related condition.
Cryptosporidiosis-chronic cholangitis-liver disease syndrome. Also called: Immunodeficiency type 56; IL21R immunodeficiency. Identifiers: Orphanet 357329, MedGen C3554687, MONDO:0014082, OMIM 615207.

Allele frequency attached by ClinVar (database versions not stated): gnomAD exomes 0.00025 and 0.00060; ExAC 0.00071; gnomAD 0.00252 and 0.00272; TOPMed 0.00277; 1000 Genomes Project 0.00280; 1000 Genomes Project 30x 0.00297.
gnomAD v4.1: 762 of 1,612,928 alleles (0.047%); highest among the groups gnomAD compares: African/African-American, 0.93%; 6 homozygotes.

Submissions (5):

Women's Health and Genetics/Laboratory Corporation of America, LabCorp
Classification: Likely benign. Last evaluated: 2026-04-06. Review status: criteria provided, single submitter. Criteria: LabCorp Variant Classification Summary - May 2015. Collection method: clinical testing. Allele origin: germline.

Labcorp Genetics (formerly Invitae), Labcorp
Classification: Benign for Cryptosporidiosis-chronic cholangitis-liver disease syndrome. Last evaluated: 2026-01-12. Review status: criteria provided, single submitter. Criteria: Invitae Variant Classification Sherloc (09022015). Collection method: clinical testing. Allele origin: germline.

Blueprint Genetics
Classification: Likely benign. Last evaluated: 2024-11-15. Review status: criteria provided, single submitter. Criteria: ACMG Guidelines, 2015. Collection method: clinical testing. Allele origin: germline.

ARUP Laboratories, Molecular Genetics and Genomics, ARUP Laboratories
Classification: Likely benign. Last evaluated: 2020-08-27. Review status: criteria provided, single submitter. Criteria: ARUP Molecular Germline Variant Investigation Process. Collection method: clinical testing. Allele origin: germline.

PreventionGenetics, part of Exact Sciences
Classification: Likely benign for IL21R-related condition. Last evaluated: 2024-01-29. Review status: no assertion criteria provided. Collection method: clinical testing. Allele origin: germline. Not counted in ClinVar's aggregate classification.
Comment: This variant is classified as likely benign based on ACMG/AMP sequence variant interpretation guidelines (Richards et al. 2015 PMID: 25741868, with internal and published modifications).